The following is an entry in ClinVar:

ClinVar aggregate classification (germline): Uncertain significance (1 of 4 stars; one submission).

Conditions:
Capillary malformation-arteriovenous malformation syndrome. Also called: Capillary malformation-arteriovenous malformation. Identifiers: Orphanet 137667, MedGen C1842180, MONDO:0012016.

Allele frequency attached by ClinVar (database versions not stated): gnomAD exomes 0.00001 and 0.00002; TOPMed 0.00001; gnomAD 0.00002; ESP Exome Variant Server 0.00008; ExAC 0.00002.
gnomAD v4.1: 15 of 1,612,586 alleles (0.00093%); highest among the groups gnomAD compares: Admixed American, 0.0033%; no homozygotes.

Submission:

Labcorp Genetics (formerly Invitae), Labcorp
Classification: Uncertain significance for Capillary malformation-arteriovenous malformation syndrome. Last evaluated: 2024-03-31. Review status: criteria provided, single submitter. Criteria: Invitae Variant Classification Sherloc (09022015). Collection method: clinical testing. Allele origin: germline.
Comment: This sequence change replaces arginine, which is basic and polar, with glutamine, which is neutral and polar, at codon 285 of the RASA1 protein (p.Arg285Gln). This variant is present in population databases (rs374823017, gnomAD 0.006%). This variant has not been reported in the literature in individuals affected with RASA1-related conditions. ClinVar contains an entry for this variant (Variation ID: 939267). An algorithm developed to predict the effect of missense changes on protein structure and function (PolyPhen-2) suggests that this variant is likely to be disruptive. In summary, the available evidence is currently insufficient to determine the role of this variant in disease. Therefore, it has been classified as a Variant of Uncertain Significance.

NM_002890.3(RASA1):c.854G>A (p.Arg285Gln)

Genes: CCNH (cyclin H; minus strand), RASA1 (RAS p21 protein activator 1; plus strand). Cytogenetic location: 5q14.3.
Variant type: single nucleotide variant.
Coding change: c.854G>A on transcript NM_002890.3 (MANE Select); coding-DNA position 854, G replaced by A.
Protein change: p.Arg285Gln; replaces arginine 285 with glutamine.
Molecular consequence: missense variant. On other transcripts: intron variant (1).
Genome position (GRCh38, 1-based): chr5:87,333,292, G>A. VCF-style: chr5-87333292-G-A. GRCh37 (hg19) VCF-style: chr5-86629109-G-A.
Other names: c.323G>A, p.Arg108Gln (NM_022650.3); c.934-20497C>T (NM_001364075.2); short protein forms R285Q, R108Q.
Identifiers: ClinVar variation 939267 (VCV000939267.10), dbSNP rs374823017, ClinGen allele CA3335585.